The following is an entry in ClinVar:

NM_000179.3(MSH6):c.719G>A (p.Arg240Gln)

Gene: MSH6 (mutS homolog 6; plus strand). Cytogenetic location: 2p16.3.
Variant type: single nucleotide variant.
Coding change: c.719G>A on transcript NM_000179.3 (MANE Select); coding-DNA position 719, G replaced by A.
Protein change: p.Arg240Gln; replaces arginine 240 with glutamine.
Molecular consequence: missense variant. On other transcripts: 5 prime UTR variant (2).
Genome position (GRCh38, 1-based): chr2:47,798,702, G>A. VCF-style: chr2-47798702-G-A. GRCh37 (hg19) VCF-style: chr2-48025841-G-A.
Other names: c.329G>A, p.Arg110Gln (NM_001281492.2); c.-188G>A (NM_001281493.2, NM_001281494.2); short protein forms R240Q, R110Q.
Identifiers: ClinVar variation 230984 (VCV000230984.34), dbSNP rs542848931, ClinGen allele CA073373.

ClinVar aggregate classification (germline): Conflicting classifications of pathogenicity. Review status: criteria provided, conflicting classifications (1 of 4 stars). 11 submissions from 10 submitters: Uncertain significance (10); Benign (1). Last evaluated 2026-01-28.

Conditions:
Hereditary nonpolyposis colorectal neoplasms. Identifiers: MedGen C0009405, MeSH D003123.
Lynch syndrome. Identifiers: Orphanet 144, MedGen C4552100, MONDO:0005835. Disease mechanism: loss of function.
Hereditary cancer-predisposing syndrome. Also called: Neoplastic Syndromes, Hereditary; Tumor predisposition; Hereditary Cancer Syndrome; Hereditary neoplastic syndrome. Identifiers: Orphanet 140162, MedGen C0027672, MeSH D009386, MONDO:0015356.
Lynch syndrome 5 (LYNCH5). Also called: Colorectal cancer, hereditary nonpolyposis, type 5; Hereditary non-polyposis colorectal cancer, type 5. Identifiers: Orphanet 144, MedGen C1833477, MONDO:0013710, OMIM 614350. Disease mechanism: loss of function.
Endometrial carcinoma. Also called: Endometrial carcinoma, somatic. Identifiers: MedGen C0476089, MONDO:0002447, OMIM 608089, HP:0012114.

Allele frequency attached by ClinVar (database versions not stated): TOPMed 0.00001; gnomAD exomes 0.00002; ExAC 0.00003; gnomAD 0.00003; 1000 Genomes Project 30x 0.00016; 1000 Genomes Project 0.00020.
gnomAD v4.1: 30 of 1,614,088 alleles (0.0019%); highest among the groups gnomAD compares: Admixed American, 0.005%; no homozygotes.

Submissions (11):

Labcorp Genetics (formerly Invitae), Labcorp
Classification: Benign for Hereditary nonpolyposis colorectal neoplasms. Last evaluated: 2026-01-28. Review status: criteria provided, single submitter. Criteria: Invitae Variant Classification Sherloc (09022015). Collection method: clinical testing. Allele origin: germline.

Ambry Genetics
Classification: Uncertain significance for Hereditary cancer-predisposing syndrome. Last evaluated: 2025-09-12. Review status: criteria provided, single submitter. Criteria: Ambry Variant Classification Scheme 2023. Collection method: clinical testing. Allele origin: germline.
Comment: The p.R240Q variant (also known as c.719G>A), located in coding exon 4 of the MSH6 gene, results from a G to A substitution at nucleotide position 719. The arginine at codon 240 is replaced by glutamine, an amino acid with highly similar properties. This alteration has been reported as a variant of uncertain significance in one individual from a cohort of 60 unrelated probands diagnosed with colorectal cancer and meeting Lynch syndrome criteria. Of note, this individual was also reported to carry an unspecified pathogenic alteration and had no constitutional mismatch repair deficiency (CMMRD) features, however phase was not provided (Schneider NB et al. Cancer Med, 2018 May;7:2078-2088). This alteration has been detected in a Brazilian cohort of 65 patients meeting Amsterdam or Bethesda criteria (InSiGHT. Fam Cancer. 2015 Jun;14 Suppl 1:1-91). This variant has also been identified in at least 2 probands whose Lynch syndrome-associated tumors demonstrated loss of MSH6 expression by immunohistochemistry (Ambry internal data). This amino acid position is not well conserved in available vertebrate species. In addition, the in silico prediction for this alteration is inconclusive. Based on the available evidence, the clinical significance of this variant remains unclear.

St. Jude Molecular Pathology, St. Jude Children's Research Hospital
Classification: Uncertain significance for Lynch syndrome 5. Last evaluated: 2024-09-05. Review status: criteria provided, single submitter. Criteria: St. Jude Assertion Criteria 2020. Collection method: clinical testing. Allele origin: germline.
Comment: The MSH6 c.719G>A (p.Arg240Gln) missense change has a maximum subpopulation frequency of 0.004% in gnomAD v2.1.1. The in silico tool REVEL predicts a benign effect on protein function, but this prediction has not been confirmed by functional studies. This variant has been reported in a cohort of patients with colorectal cancer who met Amsterdam or Bethesda criteria (PMID: 29575718). In summary, the evidence currently available is insufficient to determine the clinical significance of this variant. It has therefore been classified as of uncertain significance.

All of Us Research Program, National Institutes of Health
Classification: Uncertain significance for Lynch syndrome. Last evaluated: 2024-08-29. Review status: criteria provided, single submitter. Criteria: ACMG Guidelines, 2015. Collection method: clinical testing. Allele origin: germline. Inheritance: Autosomal dominant inheritance. Observed: 7 variant alleles, 7 heterozygotes.
Comment: This missense variant replaces arginine with glutamine at codon 240 of the MSH6 protein. Computational prediction suggests that this variant may not impact protein structure and function (internally defined REVEL score threshold <= 0.5, PMID: 27666373). To our knowledge, functional studies have not been reported for this variant. This variant has been reported in individuals affected with Lynch syndrome-associated cancer (PMID: 28932927, 29575718) and skin melanoma (PMID: 29684080). This variant has been identified in 5/282444 chromosomes in the general population by the Genome Aggregation Database (gnomAD). The available evidence is insufficient to determine the role of this variant in disease conclusively. Therefore, this variant is classified as a Variant of Uncertain Significance.

This study involves interpretation of variants in research participants for the purpose of population health screening. Participant phenotype was not available at the time of variant classification. Additional details can be found in publication PMID: 35346344, PMCID: PMC8962531

Color Diagnostics, LLC DBA Color Health
Classification: Uncertain significance for Hereditary cancer-predisposing syndrome. Last evaluated: 2024-07-16. Review status: criteria provided, single submitter. Criteria: ACMG Guidelines, 2015. Collection method: clinical testing. Allele origin: germline.
Comment: This missense variant replaces arginine with glutamine at codon 240 of the MSH6 protein. Computational prediction suggests that this variant may not impact protein structure and function (internally defined REVEL score threshold <= 0.5, PMID: 27666373). To our knowledge, functional studies have not been reported for this variant. This variant has been reported in individuals affected with Lynch syndrome-associated cancer (PMID: 28932927, 29575718) and skin melanoma (PMID: 29684080). This variant has been identified in 5/282444 chromosomes in the general population by the Genome Aggregation Database (gnomAD). The available evidence is insufficient to determine the role of this variant in disease conclusively. Therefore, this variant is classified as a Variant of Uncertain Significance.

Quest Diagnostics Nichols Institute San Juan Capistrano
Classification: Uncertain significance. Last evaluated: 2024-07-12. Review status: criteria provided, single submitter. Criteria: Quest Diagnostics criteria. Collection method: clinical testing. Allele origin: unknown.
Comment: The MSH6 c.719G>A (p.Arg240Gln) variant has been reported in the published literature in individuals with Lynch syndrome (PMID: 28932927 (2018)), colorectal cancer (PMID: 29575718 (2018)), and skin cutaneous melanoma (PMID: 29684080 (2018)). This variant has also been identified in individuals with breast cancer and reportedly healthy individuals (PMID: 32658311 (2021), 33471991 (2021), see also LOVD). The frequency of this variant in the general population, 0.000023 (3/128894 chromosomes (Genome Aggregation Database)), is uninformative in the assessment of its pathogenicity. Analysis of this variant using bioinformatics tools for the prediction of the effect of amino acid changes on protein structure and function yielded predictions that this variant is benign. Based on the available information, we are unable to determine the clinical significance of this variant.

Baylor Genetics
Classification: Uncertain significance for Endometrial carcinoma. Last evaluated: 2024-01-17. Review status: criteria provided, single submitter. Criteria: ACMG Guidelines, 2015. Collection method: clinical testing. Allele origin: unknown.

GeneDx
Classification: Uncertain significance. Last evaluated: 2023-09-11. Review status: criteria provided, single submitter. Criteria: GeneDx Variant Classification Process June 2021. Collection method: clinical testing. Allele origin: germline. Affected: yes.
Comment: Not observed at significant frequency in large population cohorts (gnomAD); In silico analysis supports that this missense variant does not alter protein structure/function; This variant is associated with the following publications: (PMID: 25986922, 21437237, 28932927, 29575718, 29684080)

Women's Health and Genetics/Laboratory Corporation of America, LabCorp
Classification: Uncertain significance. Last evaluated: 2020-09-14. Review status: criteria provided, single submitter. Criteria: LabCorp Variant Classification Summary - May 2015. Collection method: clinical testing. Allele origin: germline.
Comment: Variant summary: MSH6 c.719G>A (p.Arg240Gln) results in a conservative amino acid change in the encoded protein sequence. Five of five in-silico tools predict a benign effect of the variant on protein function. The variant allele was found at a frequency of 1.6e-05 in 251046 control chromosomes. The available data on variant occurrences in the general population are insufficient to allow any conclusion about variant significance. c.719G>A has been reported in the literature in individuals affected with Hereditary Nonpolyposis Colorectal Cancer (Soares_2017, Schneider_2018). These reports do not provide unequivocal conclusions about association of the variant with Hereditary Nonpolyposis Colorectal Cancer. To our knowledge, no experimental evidence demonstrating an impact on protein function has been reported. Five clinical diagnostic laboratories have submitted clinical-significance assessments for this variant to ClinVar after 2014 without evidence for independent evaluation. All laboratories classified the variant as uncertain significance. Based on the evidence outlined above, the variant was classified as uncertain significance.

Baylor Genetics
Classification: Uncertain significance for Lynch syndrome 5. Last evaluated: 2019-10-11. Review status: criteria provided, single submitter. Criteria: ACMG Guidelines, 2015. Collection method: clinical testing. Allele origin: maternal. Affected: yes. Study: CSER-TexasKidsCanSeq.
Comment: This variant was determined to be of uncertain significance according to ACMG Guidelines, 2015 [PMID:25741868].

Center for Human Genetics, Inc
Classification: Uncertain significance for Lynch syndrome 5. Last evaluated: 2016-11-01. Review status: criteria provided, single submitter. Criteria: ACMG Guidelines, 2015. Collection method: clinical testing. Allele origin: germline. Affected: yes.

Literature cited by the submitters: PubMed 28932927 (cited by 5 submitters); PubMed 29575718 (cited by 5 submitters); PubMed 29684080 (cited by 4 submitters); PubMed 32658311 (cited by Ambry Genetics and Quest Diagnostics Nichols Institute San Juan Capistrano); PubMed 33471991 (cited by Quest Diagnostics Nichols Institute San Juan Capistrano).